The following is an entry in ClinVar:

NM_004168.4(SDHA):c.805G>A (p.Ala269Thr)

Gene: SDHA (succinate dehydrogenase complex flavoprotein subunit A; plus strand). Cytogenetic location: 5p15.33.
Variant type: single nucleotide variant.
Coding change: c.805G>A on transcript NM_004168.4 (MANE Select); coding-DNA position 805, G replaced by A.
Protein change: p.Ala269Thr; replaces alanine 269 with threonine.
Molecular consequence: missense variant.
Genome position (GRCh38, 1-based): chr5:230,910, G>A. VCF-style: chr5-230910-G-A. GRCh37 (hg19) VCF-style: chr5-231025-G-A.
Other names: c.661G>A, p.Ala221Thr (NM_001294332.2); c.805G>A, p.Ala269Thr (NM_001330758.2); c.805G>A (NM_004168.2); short protein forms A221T, A269T.
Identifiers: ClinVar variation 644331 (VCV000644331.13), dbSNP rs1579397217, ClinGen allele CA359011620.

ClinVar aggregate classification (germline): Uncertain significance. Review status: criteria provided, multiple submitters, no conflicts (2 of 4 stars). 2 submissions from 2 submitters: Uncertain significance (2). Last evaluated 2025-04-20.

Conditions:
Pheochromocytoma/paraganglioma syndrome 5. Also called: Paragangliomas 5; SDHA-Related Hereditary Paraganglioma-Pheochromocytoma Syndrome. Identifiers: Orphanet 29072, MedGen C3279992, MONDO:0013602, OMIM 614165.
Mitochondrial complex II deficiency, nuclear type 1. Also called: SUCCINATE CoQ REDUCTASE DEFICIENCY. Identifiers: Orphanet 3208, MedGen C5700310, MONDO:0100294, OMIM 252011.
Hereditary cancer-predisposing syndrome. Also called: Tumor predisposition; Neoplastic Syndromes, Hereditary; Hereditary Cancer Syndrome; Hereditary neoplastic syndrome. Identifiers: Orphanet 140162, MedGen C0027672, MeSH D009386, MONDO:0015356.

Allele frequency attached by ClinVar (database versions not stated): gnomAD exomes 0.00001.
gnomAD v4.1: 13 of 1,614,134 alleles (0.00081%); highest among the groups gnomAD compares: Non-Finnish European, 0.0011%; no homozygotes.

Submissions (2):

Ambry Genetics
Classification: Uncertain significance for Hereditary cancer-predisposing syndrome. Last evaluated: 2025-04-20. Review status: criteria provided, single submitter. Criteria: Ambry Variant Classification Scheme 2023. Collection method: clinical testing. Allele origin: germline.
Comment: The p.A269T variant (also known as c.805G>A), located in coding exon 7 of the SDHA gene, results from a G to A substitution at nucleotide position 805. The alanine at codon 269 is replaced by threonine, an amino acid with similar properties. This amino acid position is conserved. In addition, the in silico prediction for this alteration is inconclusive. Based on the available evidence, the clinical significance of this variant remains unclear.

Labcorp Genetics (formerly Invitae), Labcorp
Classification: Uncertain significance for Pheochromocytoma/paraganglioma syndrome 5; Mitochondrial complex II deficiency, nuclear type 1. Last evaluated: 2023-07-12. Review status: criteria provided, single submitter. Criteria: Invitae Variant Classification Sherloc (09022015). Collection method: clinical testing. Allele origin: germline.
Comment: In summary, the available evidence is currently insufficient to determine the role of this variant in disease. Therefore, it has been classified as a Variant of Uncertain Significance. This sequence change replaces alanine, which is neutral and non-polar, with threonine, which is neutral and polar, at codon 269 of the SDHA protein (p.Ala269Thr). This variant is not present in population databases (gnomAD no frequency). This variant has not been reported in the literature in individuals affected with SDHA-related conditions. ClinVar contains an entry for this variant (Variation ID: 644331). Advanced modeling of protein sequence and biophysical properties (such as structural, functional, and spatial information, amino acid conservation, physicochemical variation, residue mobility, and thermodynamic stability) has been performed at Invitae for this missense variant, however the output from this modeling did not meet the statistical confidence thresholds required to predict the impact of this variant on SDHA protein function.